The following is an entry in ClinVar:

NM_003628.6(PKP4):c.587G>T (p.Gly196Val)

Gene: PKP4 (plakophilin 4; plus strand). Cytogenetic location: 2q24.1.
Variant type: single nucleotide variant.
Coding change: c.587G>T on transcript NM_003628.6 (MANE Select); coding-DNA position 587, G replaced by T.
Protein change: p.Gly196Val; replaces glycine 196 with valine.
Molecular consequence: missense variant. On other transcripts: 5 prime UTR variant (1).
Genome position (GRCh38, 1-based): chr2:158,621,405, G>T. VCF-style: chr2-158621405-G-T. GRCh37 (hg19) VCF-style: chr2-159477917-G-T.
Other names: c.587G>T, p.Gly196Val (NM_001005476.4, NM_001304969.3, NM_001304971.2 and 6 more transcripts); c.-363G>T (NM_001304970.3); c.581G>T, p.Gly194Val (NM_001377222.1, NM_001377223.1, NM_001377224.1); short protein forms G196V, G194V.
Identifiers: ClinVar variation 2448011 (VCV002448011.2), dbSNP rs2529579039, ClinGen allele CA348904760.
Genomic context (GRCh38, chr2:158,621,405, plus strand): 5'-AGCAGCATTCATTCATAGGATCAACTAACAACCATGTGGTGAGGAATTCAAGAGCTGAAG[G>T]ACAAACACTGGTTCAGGTAAGCCAAACGCATCAAGATCTCTGCAAAGAAATACCTTCCGG-3'
Protein context (NP_003619.2, residues 186-206): NHVVRNSRAE[Gly196Val]QTLVQPSVAN

ClinVar aggregate classification (germline): Uncertain significance (1 of 4 stars; one submission).

gnomAD v4.1: 4 of 1,613,928 alleles (0.00025%); highest among the groups gnomAD compares: Middle Eastern, 0.016%; no homozygotes.

Submission:

Ambry Genetics
Classification: Uncertain significance. Last evaluated: 2022-11-07. Review status: criteria provided, single submitter. Criteria: Ambry Variant Classification Scheme 2023. Collection method: clinical testing. Allele origin: germline.
Comment: The p.G196V variant (also known as c.587G>T), located in coding exon 5 of the PKP4 gene, results from a G to T substitution at nucleotide position 587. The glycine at codon 196 is replaced by valine, an amino acid with dissimilar properties. This amino acid position is conserved. In addition, this alteration is predicted to be deleterious by in silico analysis. Since supporting evidence is limited at this time, the clinical significance of this alteration remains unclear.